The following is an entry in ClinVar:

ClinVar aggregate classification (germline): Uncertain significance. Review status: criteria provided, multiple submitters, no conflicts (2 of 4 stars). 2 submissions from 2 submitters: Uncertain significance (2). Last evaluated 2022-03-17.

Conditions:
Bardet-Biedl syndrome (BBS). Identifiers: Orphanet 110, MedGen C0752166, MONDO:0015229.
Retinitis pigmentosa 74 (RP74). Identifiers: Orphanet 791, MedGen C4225281, MONDO:0014692, OMIM 616562.
Bardet-Biedl syndrome 2 (BBS2). Identifiers: Orphanet 110, MedGen C2936863, MONDO:0014432, OMIM 615981.

Submissions (2):

Labcorp Genetics (formerly Invitae), Labcorp
Classification: Uncertain significance for Bardet-Biedl syndrome. Last evaluated: 2022-03-17. Review status: criteria provided, single submitter. Criteria: Invitae Variant Classification Sherloc (09022015). Collection method: clinical testing. Allele origin: germline.
Comment: In summary, the available evidence is currently insufficient to determine the role of this variant in disease. Therefore, it has been classified as a Variant of Uncertain Significance. Algorithms developed to predict the effect of missense changes on protein structure and function are either unavailable or do not agree on the potential impact of this missense change (SIFT: "Deleterious"; PolyPhen-2: "Benign"; Align-GVGD: "Class C0"). ClinVar contains an entry for this variant (Variation ID: 1024255). This variant has not been reported in the literature in individuals affected with BBS2-related conditions. This variant is not present in population databases (gnomAD no frequency). This sequence change replaces leucine, which is neutral and non-polar, with proline, which is neutral and non-polar, at codon 3 of the BBS2 protein (p.Leu3Pro).

Fulgent Genetics
Classification: Uncertain significance for Bardet-Biedl syndrome 2; Retinitis pigmentosa 74. Last evaluated: 2022-03-05. Review status: criteria provided, single submitter. Criteria: ACMG Guidelines, 2015. Collection method: clinical testing. Allele origin: unknown.

NM_031885.5(BBS2):c.8T>C (p.Leu3Pro)

Gene: BBS2 (Bardet-Biedl syndrome 2; minus strand). Cytogenetic location: 16q13.
Variant type: single nucleotide variant.
Coding change: c.8T>C on transcript NM_031885.5 (MANE Select); coding-DNA position 8, T replaced by C.
Protein change: p.Leu3Pro; replaces leucine 3 with proline.
Molecular consequence: missense variant. On other transcripts: non-coding transcript variant (5).
Genome position (GRCh38, 1-based): chr16:56,519,855, A>G on the plus strand (T>C on the coding strand, the complement: BBS2 is on the minus strand). VCF-style: chr16-56519855-A-G. GRCh37 (hg19) VCF-style: chr16-56553767-A-G.
Other names: c.8T>C, p.Leu3Pro (NM_001377456.1); short protein forms L3P.
Identifiers: ClinVar variation 1024255 (VCV001024255.9), dbSNP rs1964870972, ClinGen allele CA395988342.